The following is an entry in ClinVar:

ClinVar aggregate classification (germline): Likely pathogenic (1 of 4 stars; one submission).

Conditions:
Fanconi anemia complementation group A (FANCA). Also called: Fanconi anemia, group A; FANCA-Related Fanconi Anemia. Identifiers: Orphanet 84, MedGen C3469521, MONDO:0009215, OMIM 227650.

Submission:

Myriad Genetics, Inc.
Classification: Likely pathogenic for Fanconi anemia complementation group A. Last evaluated: 2025-10-24. Review status: criteria provided, single submitter. Criteria: Myriad Autosomal Dominant, Autosomal Recessive and X-Linked Classification Criteria (2023). Collection method: clinical testing. Allele origin: unknown.
Comment: NM_000135.2(FANCA):c.2316+1G>C is a variant in a canonical splice site classified as likely pathogenic in the context of Fanconi anemia complementation group A. c.2316+1G>C has not been observed in cases with relevant disease. Relevant functional assessments of this variant are not available in the literature. c.2316+1G>C has not been observed in referenced population frequency databases. In summary, NM_000135.2(FANCA):c.2316+1G>C is a variant in a canonical splice site in a gene where loss of function is a known mechanism of disease and is predicted to disrupt protein function. Please note: this variant was assessed in the context of healthy population screening.

NM_000135.4(FANCA):c.2316+1G>C

Gene: FANCA (FA complementation group A; minus strand). Cytogenetic location: 16q24.3.
Variant type: single nucleotide variant.
Coding change: c.2316+1G>C on transcript NM_000135.4 (MANE Select); the canonical splice donor site of the intron after coding-DNA position 2316, G replaced by C.
Molecular consequence: splice donor variant.
Genome position (GRCh38, 1-based): chr16:89,770,165, C>G on the plus strand (G>C on the coding strand, the complement: FANCA is on the minus strand). VCF-style: chr16-89770165-C-G. GRCh37 (hg19) VCF-style: chr16-89836573-C-G.
Other names: c.2316+1G>C (NM_001286167.3).
Identifiers: ClinVar variation 5004032 (VCV005004032.1).